The following is an entry in ClinVar:

NM_000301.5(PLG):c.168C>T (p.Asp56=)

Gene: PLG (plasminogen; plus strand). Cytogenetic location: 6q26.
Variant type: single nucleotide variant.
Coding change: c.168C>T on transcript NM_000301.5 (MANE Select); coding-DNA position 168, C replaced by T.
Protein change: p.Asp56=; no amino-acid change (aspartic acid 56 retained).
Molecular consequence: synonymous variant.
Genome position (GRCh38, 1-based): chr6:160,706,525, C>T. VCF-style: chr6-160706525-C-T. GRCh37 (hg19) VCF-style: chr6-161127557-C-T.
Other names: c.168C>T, p.Asp56= (NM_001168338.1).
Identifiers: ClinVar variation 2421279 (VCV002421279.15), dbSNP rs144100362, ClinGen allele CA4087312.
Genomic context (GRCh38, chr6:160,706,525, plus strand): 5'-CACTAAGAAGCAGCTGGGAGCAGGAAGTATAGAAGAATGTGCAGCAAAATGTGAGGAGGA[C>T]GAAGAATTCACCTGCAGGTATTTCCATTGTCGTTGCACCTACGCAGGAATCTGTAATTCA-3'
Protein context (NP_000292.1, residues 46-66): IEECAAKCEE[Asp56=]EEFTCRAFQY

ClinVar aggregate classification (germline): Likely benign. Review status: criteria provided, multiple submitters, no conflicts (2 of 4 stars). 2 submissions from 2 submitters: Likely benign (2). Last evaluated 2026-01-05.

Allele frequency attached by ClinVar (database versions not stated): TOPMed 0.00018; gnomAD 0.00022; ESP Exome Variant Server 0.00023; ExAC 0.00030.
gnomAD v4.1: 451 of 1,613,682 alleles (0.028%); highest among the groups gnomAD compares: Non-Finnish European, 0.034%; no homozygotes.

Submissions (2):

Labcorp Genetics (formerly Invitae), Labcorp
Classification: Likely benign. Last evaluated: 2026-01-05. Review status: criteria provided, single submitter. Criteria: Invitae Variant Classification Sherloc (09022015). Collection method: clinical testing. Allele origin: germline.

CeGaT Center for Human Genetics Tuebingen
Classification: Likely benign. Last evaluated: 2025-07-01. Review status: criteria provided, single submitter. Criteria: CeGaT Center For Human Genetics Tuebingen Variant Classification Criteria Version 2. Collection method: clinical testing. Allele origin: germline. Affected: yes. Observed: 1 variant allele.
Comment: PLG: BP4, BP7